The following is an entry in ClinVar:

NM_000350.3(ABCA4):c.3308T>C (p.Leu1103Pro)

Gene: ABCA4 (ATP binding cassette subfamily A member 4; minus strand). Cytogenetic location: 1p22.1.
Variant type: single nucleotide variant.
Coding change: c.3308T>C on transcript NM_000350.3 (MANE Select); coding-DNA position 3308, T replaced by C.
Protein change: p.Leu1103Pro; replaces leucine 1103 with proline.
Molecular consequence: missense variant.
Genome position (GRCh38, 1-based): chr1:94,042,781, A>G on the plus strand (T>C on the coding strand, the complement: ABCA4 is on the minus strand). VCF-style: chr1-94042781-A-G. GRCh37 (hg19) VCF-style: chr1-94508337-A-G.
Other names: c.3086T>C, p.Leu1029Pro (NM_001425324.1); short protein forms L1103P, L1029P.
Identifiers: ClinVar variation 2779968 (VCV002779968.3), dbSNP rs2523771313, ClinGen allele CA341291942.

ClinVar aggregate classification (germline): Pathogenic (1 of 4 stars; one submission).

Submission:

Labcorp Genetics (formerly Invitae), Labcorp
Classification: Pathogenic. Last evaluated: 2023-06-20. Review status: criteria provided, single submitter. Criteria: Invitae Variant Classification Sherloc (09022015). Collection method: clinical testing. Allele origin: germline.
Comment: For these reasons, this variant has been classified as Pathogenic. This sequence change replaces leucine, which is neutral and non-polar, with proline, which is neutral and non-polar, at codon 1103 of the ABCA4 protein (p.Leu1103Pro). This variant is not present in population databases (gnomAD no frequency). This missense change has been observed in individual(s) with Stargardt disease (PMID: 32534057). In at least one individual the data is consistent with being in trans (on the opposite chromosome) from a pathogenic variant. Advanced modeling of protein sequence and biophysical properties (such as structural, functional, and spatial information, amino acid conservation, physicochemical variation, residue mobility, and thermodynamic stability) performed at Invitae indicates that this missense variant is expected to disrupt ABCA4 protein function. This variant disrupts the p.Leu1103 amino acid residue in ABCA4. Other variant(s) that disrupt this residue have been determined to be pathogenic (Invitae). This suggests that this residue is clinically significant, and that variants that disrupt this residue are likely to be disease-causing.

Literature cited by the submitters: PubMed 32534057.